The following is an entry in ClinVar:

ClinVar aggregate classification (germline): Likely benign (1 of 4 stars; one submission).

Allele frequency attached by ClinVar (database versions not stated): 1000 Genomes Project 30x 0.01468; TOPMed 0.01531; 1000 Genomes Project 0.01538; gnomAD 0.01255 and 0.01314.
gnomAD v4.1: 2,001 of 152,224 alleles (1.3%); highest among the groups gnomAD compares: Admixed American, 3.3%; 26 homozygotes.

Submission:

GeneDx
Classification: Likely benign. Last evaluated: 2018-06-14. Review status: criteria provided, single submitter. Criteria: GeneDx Variant Classification (06012015). Collection method: clinical testing. Allele origin: germline. Affected: yes.
Comment: This variant is considered likely benign or benign based on one or more of the following criteria: it is a conservative change, it occurs at a poorly conserved position in the protein, it is predicted to be benign by multiple in silico algorithms, and/or has population frequency not consistent with disease.

NM_000138.5(FBN1):c.3712+295C>T

Gene: FBN1 (fibrillin 1; minus strand). Cytogenetic location: 15q21.1.
Variant type: single nucleotide variant.
Coding change: c.3712+295C>T on transcript NM_000138.5 (MANE Select); 295 bases into the intron after coding-DNA position 3712, C replaced by T.
Molecular consequence: intron variant.
Genome position (GRCh38, 1-based): chr15:48,485,079, G>A on the plus strand (C>T on the coding strand, the complement: FBN1 is on the minus strand). VCF-style: chr15-48485079-G-A. GRCh37 (hg19) VCF-style: chr15-48777276-G-A.
Identifiers: ClinVar variation 669682 (VCV000669682.1), dbSNP rs58687755, ClinGen allele CA15849953.
Genomic context (GRCh38, chr15:48,485,079, plus strand): 5'-TTCTCAGGTGATGCTGTTGCCAATGGTTCAAGGAATAAACCTGGAGTTGCACTGAATTAG[G>A]CCAAAACATCAAACTCTTCAAAAGTCTGGTCAATGAAGGAAAATGTATTTTATATTCCAT-3'